The following is an entry in ClinVar:

NM_018063.5(HELLS):c.705+6G>T

Gene: HELLS (helicase, lymphoid specific; plus strand). Cytogenetic location: 10q23.33.
Variant type: single nucleotide variant.
Coding change: c.705+6G>T on transcript NM_018063.5 (MANE Select); 6 bases into the intron after coding-DNA position 705, G replaced by T.
Molecular consequence: intron variant.
Genome position (GRCh38, 1-based): chr10:94,574,193, G>T. VCF-style: chr10-94574193-G-T. GRCh37 (hg19) VCF-style: chr10-96333950-G-T.
Other names: c.333+6G>T (NM_001289071.2); c.705+6G>T (NM_001289067.2, NM_001289070.2, NM_001289069.2 and 1 more transcripts); c.-317+6G>T (NM_001289075.2); c.-298+6G>T (NM_001289074.2); c.291+6G>T (NM_001289073.2); c.657+6G>T (NM_001289068.2).
Identifiers: ClinVar variation 1400663 (VCV001400663.6), dbSNP rs761380343, ClinGen allele CA5615341.

ClinVar aggregate classification (germline): Uncertain significance (1 of 4 stars; one submission).

Allele frequency attached by ClinVar (database versions not stated): gnomAD exomes below 0.00001 and 0.00002; gnomAD 0.00001; ExAC 0.00002.
gnomAD v4.1: 6 of 1,575,634 alleles (0.00038%); highest among the groups gnomAD compares: Middle Eastern, 0.017%; no homozygotes.

Submission:

Labcorp Genetics (formerly Invitae), Labcorp
Classification: Uncertain significance. Last evaluated: 2024-12-09. Review status: criteria provided, single submitter. Criteria: Invitae Variant Classification Sherloc (09022015). Collection method: clinical testing. Allele origin: germline.
Comment: This sequence change falls in intron 8 of the HELLS gene. It does not directly change the encoded amino acid sequence of the HELLS protein. It affects a nucleotide within the consensus splice site. This variant is present in population databases (rs761380343, gnomAD 0.01%). This variant has not been reported in the literature in individuals affected with HELLS-related conditions. ClinVar contains an entry for this variant (Variation ID: 1400663). Variants that disrupt the consensus splice site are a relatively common cause of aberrant splicing (PMID: 17576681, 9536098). Algorithms developed to predict the effect of sequence changes on RNA splicing suggest that this variant is not likely to affect RNA splicing. In summary, the available evidence is currently insufficient to determine the role of this variant in disease. Therefore, it has been classified as a Variant of Uncertain Significance.

Literature cited by the submitters: PubMed 17576681; PubMed 9536098.